The following is an entry in ClinVar:

NM_000548.5(TSC2):c.3132-10dup

Gene: TSC2 (TSC complex subunit 2; plus strand). Cytogenetic location: 16p13.3.
Variant type: Duplication.
Coding change: c.3132-10dup on transcript NM_000548.5 (MANE Select); 10 bases into the intron before coding-DNA position 3132, one base duplicated (T; older notation c.3132-10dupT).
Molecular consequence: intron variant.
Genome position (GRCh38, 1-based): chr16:2,079,266, T duplicated. VCF-style (leftmost placement, unchanged base first): chr16-2079265-C-CT. GRCh37 (hg19) VCF-style: chr16-2129266-C-CT.
Other names: c.2400-10dup (NM_001318831.2, NM_001406688.1, NM_001406687.1); c.2943-10dup (NM_001406677.1); c.2985-10dup (NM_001406675.1); c.2982-10dup (NM_001406676.1); c.2856-10dup (NM_001318829.2); c.2853-10dup (NM_001406679.1); c.2403-10dup (NM_001406686.1, NM_001406685.1); c.3033-10dup (NM_001318832.2); and 18 more.
Identifiers: ClinVar variation 4071314 (VCV004071314.1).
Genomic context (GRCh38, chr16:2,079,265, plus strand): 5'-GGCACTACAGGGCTGGGCGGGCCTGCGGGAGCTCCACGGGCAAGCTGGGTTTCACGCTCC[C>CT]TGTCTTCTAGGTCTCCTGTGGGCGAGTTCCTCCTAGCGGGTGGCAGGACCAAAACCTGGC-3'

ClinVar aggregate classification (germline): Likely benign (1 of 4 stars; one submission).

Conditions:
Tuberous sclerosis 2 (TSC2). Identifiers: Orphanet 805, MedGen C1860707, MONDO:0013199, OMIM 613254.

Submission:

Myriad Genetics, Inc.
Classification: Likely benign for Tuberous sclerosis 2. Last evaluated: 2025-05-28. Review status: criteria provided, single submitter. Criteria: Myriad Autosomal Dominant, Autosomal Recessive and X-Linked Classification Criteria (2023). Collection method: clinical testing. Allele origin: unknown.
Comment: This variant is considered likely benign. This variant is intronic and is not expected to impact mRNA splicing.